The following is an entry in ClinVar:

NM_001943.5(DSG2):c.3213dup (p.Arg1072Ter)

Genes: DSG2 (desmoglein 2; plus strand), DSG2-AS1 (DSG2 antisense RNA 1; minus strand). Cytogenetic location: 18q12.1.
Variant type: Duplication.
Coding change: c.3213dup on transcript NM_001943.5 (MANE Select); coding-DNA position 3213, one base duplicated (T; older notation c.3213dupT).
Protein change: p.Arg1072Ter; replaces arginine 1072 with a stop codon.
Molecular consequence: nonsense.
Genome position (GRCh38, 1-based): chr18:31,546,599, T duplicated. VCF-style (leftmost placement, unchanged base first): chr18-31546598-C-CT. GRCh37 (hg19) VCF-style: chr18-29126561-C-CT.
Other names: short protein forms R1072*.
Identifiers: ClinVar variation 2780418 (VCV002780418.3), dbSNP rs1332523449, ClinGen allele CA778425536.

ClinVar aggregate classification (germline): Uncertain significance (1 of 4 stars; one submission).

Conditions:
Arrhythmogenic right ventricular dysplasia 10. Also called: Arrhythmogenic Right Ventricular Dysplasia/Cardiomyopathy10; ARRHYTHMOGENIC RIGHT VENTRICULAR DYSPLASIA, FAMILIAL, 10; Arrhythmogenic right ventricular dysplasia/cardiomyopathy, type 10. Identifiers: MedGen C1857777, MONDO:0012434, OMIM 610193.

Allele frequency attached by ClinVar (database versions not stated): gnomAD exomes below 0.00001; TOPMed 0.00002; gnomAD 0.00001.

Submission:

Labcorp Genetics (formerly Invitae), Labcorp
Classification: Uncertain significance for Arrhythmogenic right ventricular dysplasia 10. Last evaluated: 2025-02-12. Review status: criteria provided, single submitter. Criteria: Invitae Variant Classification Sherloc (09022015). Collection method: clinical testing. Allele origin: germline.
Comment: This sequence change creates a premature translational stop signal (p.Arg1072*) in the DSG2 gene. While this is not anticipated to result in nonsense mediated decay, it is expected to disrupt the last 47 amino acid(s) of the DSG2 protein. This variant is not present in population databases (gnomAD no frequency). This variant has not been reported in the literature in individuals affected with DSG2-related conditions. ClinVar contains an entry for this variant (Variation ID: 2780418). Experimental studies and prediction algorithms are not available or were not evaluated, and the functional significance of this variant is currently unknown. In summary, the available evidence is currently insufficient to determine the role of this variant in disease. Therefore, it has been classified as a Variant of Uncertain Significance.